The following is an entry in ClinVar:

ClinVar aggregate classification (germline): Uncertain significance (1 of 4 stars; one submission).

gnomAD v4.1: 2 of 1,610,230 alleles (0.00012%); highest among the groups gnomAD compares: Non-Finnish European, 0.00017%; no homozygotes.

Submission:

GeneDx
Classification: Uncertain significance. Last evaluated: 2024-09-24. Review status: criteria provided, single submitter. Criteria: GeneDx Variant Classification Process June 2021. Collection method: clinical testing. Allele origin: germline. Affected: yes.
Comment: Not observed at significant frequency in large population cohorts (gnomAD); In silico analysis supports that this missense variant has a deleterious effect on protein structure/function; Has not been previously published as pathogenic or benign to our knowledge

NM_052867.4(NALCN):c.1562C>T (p.Ser521Leu)

Gene: NALCN (sodium leak channel, non-selective; minus strand). Cytogenetic location: 13q33.1.
Variant type: single nucleotide variant.
Coding change: c.1562C>T on transcript NM_052867.4 (MANE Select); coding-DNA position 1562, C replaced by T.
Protein change: p.Ser521Leu; replaces serine 521 with leucine.
Molecular consequence: missense variant.
Genome position (GRCh38, 1-based): chr13:101,229,457, G>A on the plus strand (C>T on the coding strand, the complement: NALCN is on the minus strand). VCF-style: chr13-101229457-G-A. GRCh37 (hg19) VCF-style: chr13-101881808-G-A.
Other names: c.1562C>T, p.Ser521Leu (NM_001350748.2, NM_001350749.2); c.1475C>T, p.Ser492Leu (NM_001350750.2, NM_001350751.2); short protein forms S492L, S521L.
Identifiers: ClinVar variation 3774648 (VCV003774648.1).